The following is an entry in ClinVar:

ClinVar aggregate classification (germline): Uncertain significance (1 of 4 stars; one submission).

Conditions:
Inborn genetic diseases. Identifiers: MedGen C0950123, MeSH D030342.

Submission:

Ambry Genetics
Classification: Uncertain significance for Inborn genetic diseases. Last evaluated: 2024-07-01. Review status: criteria provided, single submitter. Criteria: Ambry Variant Classification Scheme 2023. Collection method: clinical testing. Allele origin: germline.
Comment: The c.4316T>C (p.L1439P) alteration is located in exon 18 (coding exon 17) of the CHD7 gene. This alteration results from a T to C substitution at nucleotide position 4316, causing the leucine (L) at amino acid position 1439 to be replaced by a proline (P). This variant was not reported in population-based cohorts in the Genome Aggregation Database (gnomAD). This amino acid position is highly conserved in available vertebrate species. This alteration is predicted to be deleterious by in silico analysis. Based on insufficient or conflicting evidence, the clinical significance of this alteration remains unclear.

NM_017780.4(CHD7):c.4316T>C (p.Leu1439Pro)

Gene: CHD7 (chromodomain helicase DNA binding protein 7; plus strand). Cytogenetic location: 8q12.2.
Variant type: single nucleotide variant.
Coding change: c.4316T>C on transcript NM_017780.4 (MANE Select); coding-DNA position 4316, T replaced by C.
Protein change: p.Leu1439Pro; replaces leucine 1439 with proline.
Molecular consequence: missense variant. On other transcripts: intron variant (1).
Genome position (GRCh38, 1-based): chr8:60,837,798, T>C. VCF-style: chr8-60837798-T-C. GRCh37 (hg19) VCF-style: chr8-61750357-T-C.
Other names: c.1717-24431T>C (NM_001316690.1); short protein forms L1439P.
Identifiers: ClinVar variation 3266894 (VCV003266894.2).